The following is an entry in ClinVar:

ClinVar aggregate classification (germline): Conflicting classifications of pathogenicity. Review status: criteria provided, conflicting classifications (1 of 4 stars). 5 submissions from 5 submitters: Uncertain significance (2); Likely benign (2). 1 of the submissions does not count toward it. Last evaluated 2025-02-24.

Conditions:
Hereditary breast ovarian cancer syndrome. Also called: BRCA1- and BRCA2-Associated Hereditary Breast and Ovarian Cancer; Hereditary breast and ovarian cancer syndrome; Hereditary breast and ovarian cancer syndrome (HBOC); Breast and ovarian cancer; Hereditary breast and/or ovarian cancer syndrome; Hereditary breast and ovarian cancer. Identifiers: Orphanet 145, MedGen C0677776, MeSH D061325, MONDO:0003582. Disease mechanism: loss of function.
Breast-ovarian cancer, familial, susceptibility to, 1 (BROVCA1). Also called: BRCA1 Hereditary Breast and Ovarian Cancer; OVARIAN CANCER, SUSCEPTIBILITY TO. Identifiers: Orphanet 145, MedGen C2676676, MONDO:0011450, OMIM 604370. Disease mechanism: loss of function.
Hereditary cancer-predisposing syndrome. Also called: Hereditary Cancer Syndrome; Hereditary neoplastic syndrome; Neoplastic Syndromes, Hereditary; Tumor predisposition. Identifiers: Orphanet 140162, MedGen C0027672, MeSH D009386, MONDO:0015356.

Submissions (5):

Color Diagnostics, LLC DBA Color Health
Classification: Likely benign for Hereditary cancer-predisposing syndrome. Last evaluated: 2025-02-24. Review status: criteria provided, single submitter. Criteria: ACMG Guidelines, 2015. Collection method: clinical testing. Allele origin: germline.

Labcorp Genetics (formerly Invitae), Labcorp
Classification: Uncertain significance for Hereditary breast ovarian cancer syndrome. Last evaluated: 2024-09-30. Review status: criteria provided, single submitter. Criteria: Invitae Variant Classification Sherloc (09022015). Collection method: clinical testing. Allele origin: germline.
Comment: This sequence change replaces tyrosine, which is neutral and polar, with cysteine, which is neutral and slightly polar, at codon 1522 of the BRCA1 protein (p.Tyr1522Cys). This variant is not present in population databases (gnomAD no frequency). This missense change has been observed in individual(s) with breast cancer (PMID: 19190334). ClinVar contains an entry for this variant (Variation ID: 55228). Invitae Evidence Modeling of protein sequence and biophysical properties (such as structural, functional, and spatial information, amino acid conservation, physicochemical variation, residue mobility, and thermodynamic stability) indicates that this missense variant is not expected to disrupt BRCA1 protein function with a negative predictive value of 95%. Experimental studies have shown that this missense change does not substantially affect BRCA1 function (PMID: 30765603). In summary, the available evidence is currently insufficient to determine the role of this variant in disease. Therefore, it has been classified as a Variant of Uncertain Significance.

Genetic Services Laboratory, University of Chicago
Classification: Uncertain significance. Last evaluated: 2020-02-06. Review status: criteria provided, single submitter. Criteria: ACMG Guidelines, 2015. Collection method: clinical testing. Allele origin: germline. Affected: no.
Comment: DNA sequence analysis of the BRCA1 gene demonstrated a sequence change, c.4565A>G, in exon 14 that results in an amino acid change, p.Tyr1522Cys. This sequence change has not been described in population databases (gnomAD, ExAC). Functional studies demonstrated no impact on protein function in the presence of this sequence change (PMID: 28781887). The p.Tyr1522Cys change affects a poorly conserved amino acid residue located in a domain of the BRCA1 protein that is known to be functional. The p.Tyr1522Cys substitution appears to be benign using several in-silico pathogenicity prediction tools (SIFT, PolyPhen2, Align GVGD, REVEL). Due to these contrasting evidences, the clinical significance of the p.Tyr1522Cys change remains unknown at this time.

Ambry Genetics
Classification: Likely benign for Hereditary cancer-predisposing syndrome. Last evaluated: 2019-01-18. Review status: criteria provided, single submitter. Criteria: Ambry Variant Classification Scheme 2023. Collection method: clinical testing. Allele origin: germline.

Breast Cancer Information Core (BIC) (BRCA1)
Classification: Uncertain significance for Breast-ovarian cancer, familial 1. Last evaluated: 2002-05-29. Review status: no assertion criteria provided. Collection method: clinical testing. Allele origin: germline. Affected: yes. Observed: 1 variant allele. Not counted in ClinVar's aggregate classification.

Literature cited by the submitters: PubMed 19190334 (cited by Labcorp Genetics (formerly Invitae), Labcorp); PubMed 30765603 (cited by Labcorp Genetics (formerly Invitae), Labcorp); PubMed 28781887 (cited by Ambry Genetics).

NM_007294.4(BRCA1):c.4565A>G (p.Tyr1522Cys)

Gene: BRCA1 (BRCA1 DNA repair associated; minus strand). Cytogenetic location: 17q21.31.
Variant type: single nucleotide variant.
Coding change: c.4565A>G on transcript NM_007294.4 (MANE Select); coding-DNA position 4565, A replaced by G.
Protein change: p.Tyr1522Cys; replaces tyrosine 1522 with cysteine.
Molecular consequence: missense variant. On other transcripts: non-coding transcript variant (1).
Genome position (GRCh38, 1-based): chr17:43,074,441, T>C on the plus strand (A>G on the coding strand, the complement: BRCA1 is on the minus strand). VCF-style: chr17-43074441-T-C. GRCh37 (hg19) VCF-style: chr17-41226458-T-C.
Other names: c.1043A>G, p.Tyr348Cys (NM_001408482.1, NM_001408483.1, NM_001408484.1 and 5 more transcripts); c.1040A>G, p.Tyr347Cys (NM_001408492.1, NM_001408493.1); c.1016A>G, p.Tyr339Cys (NM_001408494.1); c.4355A>G, p.Tyr1452Cys (NM_001407889.1, NM_001407879.1, NM_001407881.1 and 5 more transcripts); c.4352A>G, p.Tyr1451Cys (NM_001407894.1, NM_001407895.1, NM_001407896.1 and 12 more transcripts); c.4565A>G, p.Tyr1522Cys (NM_001407594.1, NM_001407596.1, NM_001407597.1 and 8 more transcripts); c.4562A>G, p.Tyr1521Cys (NM_001407610.1, NM_001407611.1, NM_001407612.1 and 17 more transcripts); c.4559A>G, p.Tyr1520Cys (NM_001407627.1, NM_001407628.1, NM_001407629.1 and 14 more transcripts); and 68 more; short protein forms Y1522C, Y1543C, Y1475C, Y418C, Y1225C, Y1353C, Y1394C, Y1395C.
Identifiers: ClinVar variation 55228 (VCV000055228.20), dbSNP rs80357379, ClinGen allele CA002906.